The following is an entry in ClinVar:

NM_001042492.3(NF1):c.6565C>G (p.Pro2189Ala)

Gene: NF1 (neurofibromin 1; plus strand). Cytogenetic location: 17q11.2.
Variant type: single nucleotide variant.
Coding change: c.6565C>G on transcript NM_001042492.3 (MANE Select); coding-DNA position 6565, C replaced by G.
Protein change: p.Pro2189Ala; replaces proline 2189 with alanine.
Molecular consequence: missense variant.
Genome position (GRCh38, 1-based): chr17:31,337,505, C>G. VCF-style: chr17-31337505-C-G. GRCh37 (hg19) VCF-style: chr17-29664523-C-G.
Other names: c.6502C>G, p.Pro2168Ala (NM_000267.4); short protein forms P2168A, P2189A.
Identifiers: ClinVar variation 3634588 (VCV003634588.2).
Genomic context (GRCh38, chr17:31,337,505, plus strand): 5'-AAAGTCAAGTCAGCTGCTGTCATTGCCTTCCGTTCCAGTTACCGGGACAGGTCATTCTCT[C>G]CTGGCTCCTATGAGAGAGAGACTTTTGCTTTGACATCCTTGGAAACAGTCACAGAAGCTT-3'
Protein context (NP_001035957.1, residues 2179-2199): RSSYRDRSFS[Pro2189Ala]GSYERETFAL

ClinVar aggregate classification (germline): Uncertain significance (1 of 4 stars; one submission).

Conditions:
Neurofibromatosis, type 1 (NF1). Also called: VON RECKLINGHAUSEN DISEASE; Peripheral type neurofibromatosis; NEUROFIBROMATOSIS, TYPE I, SOMATIC; Neurofibromatosis, type I. Identifiers: Orphanet 636, MedGen C0027831, MONDO:0018975, OMIM 162200. Disease mechanism: loss of function.

Submission:

Labcorp Genetics (formerly Invitae), Labcorp
Classification: Uncertain significance for Neurofibromatosis, type 1. Last evaluated: 2024-02-03. Review status: criteria provided, single submitter. Criteria: Invitae Variant Classification Sherloc (09022015). Collection method: clinical testing. Allele origin: germline.
Comment: This sequence change replaces proline, which is neutral and non-polar, with alanine, which is neutral and non-polar, at codon 2168 of the NF1 protein (p.Pro2168Ala). This variant is not present in population databases (gnomAD no frequency). This variant has not been reported in the literature in individuals affected with NF1-related conditions. Advanced modeling of protein sequence and biophysical properties (such as structural, functional, and spatial information, amino acid conservation, physicochemical variation, residue mobility, and thermodynamic stability) performed at Invitae indicates that this missense variant is not expected to disrupt NF1 protein function with a negative predictive value of 95%. In summary, the available evidence is currently insufficient to determine the role of this variant in disease. Therefore, it has been classified as a Variant of Uncertain Significance.